The following is an entry in ClinVar:

NM_021930.6(RINT1):c.2146T>C (p.Phe716Leu)

Genes: EFCAB10 (EF-hand calcium binding domain 10; minus strand), RINT1 (RAD50 interactor 1; plus strand). Cytogenetic location: 7q22.3.
Variant type: single nucleotide variant.
Coding change: c.2146T>C on transcript NM_021930.6 (MANE Select); coding-DNA position 2146, T replaced by C.
Protein change: p.Phe716Leu; replaces phenylalanine 716 with leucine.
Molecular consequence: missense variant. On other transcripts: non-coding transcript variant (1), intron variant (2).
Genome position (GRCh38, 1-based): chr7:105,565,608, T>C. VCF-style: chr7-105565608-T-C. GRCh37 (hg19) VCF-style: chr7-105206055-T-C.
Other names: c.391A>G, p.Thr131Ala (NM_001355530.2); c.1912T>C, p.Phe638Leu (NM_001346599.2); c.1123T>C, p.Phe375Leu (NM_001346600.2, NM_001346603.2); c.1222T>C, p.Phe408Leu (NM_001346601.2); c.360-161A>G (NM_001355531.2); c.384-161A>G (NM_001355526.2); short protein forms F375L, F638L, F408L, F716L, T131A.
Identifiers: ClinVar variation 3433639 (VCV003433639.1).
Genomic context (GRCh38, chr7:105,565,608, plus strand): 5'-TTCAATGAAGGAGGAGCAGCCCAGCTGCAGTTTGATATGACTCGGAATCTTTTCCCTTTG[T>C]TTTCTCACTATTGCAAGAGACCAGAAAATTATTTTAAACAGTAAGCTCAACATTTAACAA-3'
Protein context (NP_068749.3, residues 706-726): FDMTRNLFPL[Phe716Leu]SHYCKRPENY

ClinVar aggregate classification (germline): Uncertain significance (1 of 4 stars; one submission).

Submission:

Ambry Genetics
Classification: Uncertain significance. Last evaluated: 2024-10-18. Review status: criteria provided, single submitter. Criteria: Ambry Variant Classification Scheme 2023. Collection method: clinical testing. Allele origin: germline.
Comment: The p.F716L variant (also known as c.2146T>C), located in coding exon 14 of the RINT1 gene, results from a T to C substitution at nucleotide position 2146. The phenylalanine at codon 716 is replaced by leucine, an amino acid with highly similar properties. This amino acid position is conserved. In addition, the in silico prediction for this alteration is inconclusive. Based on the available evidence, the clinical significance of this variant remains unclear.